The following is an entry in ClinVar:

ClinVar aggregate classification (germline): Pathogenic (1 of 4 stars; one submission).

Conditions:
Familial adenomatous polyposis 1 (FAP1). Also called: FAMILIAL ADENOMATOUS POLYPOSIS 1, ATTENUATED; POLYPOSIS, ADENOMATOUS INTESTINAL. Identifiers: MedGen C2713442, MONDO:0021056, OMIM 175100. Disease mechanism: loss of function.

Submission:

Myriad Genetics, Inc.
Classification: Pathogenic for Familial adenomatous polyposis 1. Last evaluated: 2023-05-15. Review status: criteria provided, single submitter. Criteria: Myriad Autosomal Dominant, Autosomal Recessive and X-Linked Classification Criteria (2023). Collection method: clinical testing. Allele origin: unknown.
Comment: This variant is considered pathogenic. This variant creates a frameshift predicted to result in premature protein truncation.

NM_000038.6(APC):c.5803_5804del (p.Gln1935fs)

Gene: APC (APC regulator of Wnt signaling pathway; plus strand). Cytogenetic location: 5q22.2.
Variant type: Deletion.
Coding change: c.5803_5804del on transcript NM_000038.6 (MANE Select); coding-DNA positions 5803 to 5804, 2 bases deleted (CA; older notation c.5803_5804delCA).
Protein change: p.Gln1935fs; shifts the reading frame from glutamine 1935.
Molecular consequence: frameshift variant. On other transcripts: non-coding transcript variant (2).
Genome position (GRCh38, 1-based): chr5:112,841,397-112,841,398, CA deleted. VCF-style (leftmost placement, unchanged base first): chr5-112841396-CCA-C. GRCh37 (hg19) VCF-style: chr5-112177093-CCA-C.
Other names: c.5803_5804del, p.Gln1935fs (NM_001127510.3, NM_001354895.2, NM_001407450.1); c.5749_5750del, p.Gln1917fs (NM_001127511.3); c.5857_5858del, p.Gln1953fs (NM_001354896.2, NM_001407447.1, NM_001407448.1 and 1 more transcripts); c.5833_5834del, p.Gln1945fs (NM_001354897.2); c.5728_5729del, p.Gln1910fs (NM_001354898.2); c.5719_5720del, p.Gln1907fs (NM_001354899.2); c.5680_5681del, p.Gln1894fs (NM_001354900.2); c.5626_5627del, p.Gln1876fs (NM_001354901.2, NM_001407453.1); and 11 more; short protein forms Q1551fs, Q1652fs, Q1775fs, Q1806fs, Q1809fs, Q1834fs, Q1844fs, Q1852fs.
Identifiers: ClinVar variation 2584054 (VCV002584054.1), dbSNP rs2533668636, ClinGen allele CA2582341475.